The following is an entry in ClinVar:

NM_002019.4(FLT1):c.2654_2655insA (p.Gly886fs)

Gene: FLT1 (fms related receptor tyrosine kinase 1; minus strand). Cytogenetic location: 13q12.3.
Variant type: Insertion.
Coding change: c.2654_2655insA on transcript NM_002019.4 (MANE Select); coding-DNA positions 2654 to 2655, A inserted.
Protein change: p.Gly886fs; shifts the reading frame from glycine 886.
Molecular consequence: frameshift variant.
Genome position: GRCh38 VCF-style: chr13-28329667-A-AT. GRCh37 (hg19) VCF-style: chr13-28903804-A-AT.
Other names: short protein forms G886fs.
Identifiers: ClinVar variation 162077 (VCV000162077.2), dbSNP rs555490448, ClinGen allele CA251198.
Genomic context (GRCh38, chr13:28,329,667, plus strand): 5'-TCCATTACCTCCTTGCTTGGTGCAGGCTCCCAGCAGGTTAACCACGTTCAGATGGTGGCC[A>AT]ATGTGGGTCAAGATTTTTAGCTCAGTCATCAGAGCTTTGTACTCGCTGGCCGTGGCCCCC-3'

ClinVar aggregate classification (germline): not provided (0 of 4 stars; one submission).

Conditions:
Carcinoma of colon (CRC). Also called: Colonic carcinoma; Colon carcinoma. Identifiers: MedGen C0699790, MONDO:0002032.

Submission:

Immunobiology Lab; University of Kashmir
No classification provided. Condition: Carcinoma of colon. Review status: no classification provided. Collection method: not provided. Allele origin: somatic.
ClinVar note: Converted during submission from untested to not provided.